The following is an entry in ClinVar:

NM_033337.3(CAV3):c.306G>A (p.Ala102=)

Genes: CAV3 (caveolin 3; plus strand), OXTR (oxytocin receptor; minus strand). Cytogenetic location: 3p25.3.
Variant type: single nucleotide variant.
Coding change: c.306G>A on transcript NM_033337.3 (MANE Select); coding-DNA position 306, G replaced by A.
Protein change: p.Ala102=; no amino-acid change (alanine 102 retained).
Molecular consequence: synonymous variant.
Genome position (GRCh38, 1-based): chr3:8,745,717, G>A. VCF-style: chr3-8745717-G-A. GRCh37 (hg19) VCF-style: chr3-8787403-G-A.
Other names: c.306G>A, p.Ala102= (NM_001234.5).
Identifiers: ClinVar variation 46535 (VCV000046535.45), dbSNP rs149375325, ClinGen allele CA138572.

ClinVar aggregate classification (germline): Benign/Likely benign. Review status: criteria provided, multiple submitters, no conflicts (2 of 4 stars). 8 submissions from 8 submitters: Benign (1); Likely benign (6). 1 of the submissions does not count toward it. Last evaluated 2025-12-02.

Conditions:
CAV3-related disorder. Also called: CAV3-related condition.
Cardiovascular phenotype. Identifiers: MedGen CN230736.
Long QT syndrome (LQTS). Identifiers: MedGen C0023976, MeSH D008133, MONDO:0002442. Disease mechanism: loss of function. Inheritance: Various modes of inheritance.

Allele frequency attached by ClinVar (database versions not stated): gnomAD exomes 0.00008; ExAC 0.00010; TOPMed 0.00015; gnomAD 0.00018 and 0.00019; ESP Exome Variant Server 0.00023; 1000 Genomes Project 30x 0.00031; 1000 Genomes Project 0.00040.
gnomAD v4.1: 95 of 1,614,182 alleles (0.0059%); highest among the groups gnomAD compares: African/African-American, 0.061%; no homozygotes.

Submissions (8):

Labcorp Genetics (formerly Invitae), Labcorp
Classification: Likely benign for Long QT syndrome. Last evaluated: 2025-12-02. Review status: criteria provided, single submitter. Criteria: Invitae Variant Classification Sherloc (09022015). Collection method: clinical testing. Allele origin: germline.

Blueprint Genetics
Classification: Likely benign. Last evaluated: 2024-09-04. Review status: criteria provided, single submitter. Criteria: ACMG Guidelines, 2015. Collection method: clinical testing. Allele origin: germline.

CeGaT Center for Human Genetics Tuebingen
Classification: Likely benign. Last evaluated: 2023-01-01. Review status: criteria provided, single submitter. Criteria: CeGaT Center For Human Genetics Tuebingen Variant Classification Criteria Version 2. Collection method: clinical testing. Allele origin: germline. Affected: yes. Observed: 1 variant allele.
Comment: CAV3: BP4, BP7

Women's Health and Genetics/Laboratory Corporation of America, LabCorp
Classification: Benign. Last evaluated: 2022-08-06. Review status: criteria provided, single submitter. Criteria: LabCorp Variant Classification Summary - May 2015. Collection method: clinical testing. Allele origin: germline.

GeneDx
Classification: Likely benign. Last evaluated: 2021-01-13. Review status: criteria provided, single submitter. Criteria: GeneDx Variant Classification Process June 2021. Collection method: clinical testing. Allele origin: germline. Affected: yes.
Comment: This variant is associated with the following publications: (PMID: 24503780)

Ambry Genetics
Classification: Likely benign for Cardiovascular phenotype. Last evaluated: 2017-07-17. Review status: criteria provided, single submitter. Criteria: Ambry Variant Classification Scheme 2023. Collection method: clinical testing. Allele origin: germline.

Laboratory for Molecular Medicine, Mass General Brigham Personalized Medicine
Classification: Likely benign. Last evaluated: 2012-04-11. Review status: criteria provided, single submitter. Criteria: LMM Criteria. Collection method: clinical testing. Allele origin: germline. Observed: 1 variant allele.
Comment: Ala102Ala in Exon 02 of CAV3: This variant is not expected to have clinical sign ificance because it does not alter an amino acid residue, is not located within the splice consensus sequence. It has been identified in 0.1% (3/3738) of Africa n American chromosomes from a broad population by the NHLBI Exome Sequencing Pro ject (dbSNP rs149375325). Ala102Ala in Exon 0 2 of CAV3 (allele frequency = 0.1%, 3/3738; dbSNP rs149375325) **

PreventionGenetics, part of Exact Sciences
Classification: Likely benign for CAV3-related condition. Last evaluated: 2024-03-11. Review status: no assertion criteria provided. Collection method: clinical testing. Allele origin: germline. Not counted in ClinVar's aggregate classification.
Comment: This variant is classified as likely benign based on ACMG/AMP sequence variant interpretation guidelines (Richards et al. 2015 PMID: 25741868, with internal and published modifications).